The following is an entry in ClinVar:

NM_020347.4(LZTFL1):c.886G>C (p.Glu296Gln)

Gene: LZTFL1 (leucine zipper transcription factor like 1; minus strand). Cytogenetic location: 3p21.31.
Variant type: single nucleotide variant.
Coding change: c.886G>C on transcript NM_020347.4 (MANE Select); coding-DNA position 886, G replaced by C.
Protein change: p.Glu296Gln; replaces glutamic acid 296 with glutamine.
Molecular consequence: missense variant. On other transcripts: stop lost (6), non-coding transcript variant (1).
Genome position (GRCh38, 1-based): chr3:45,826,328, C>G on the plus strand (G>C on the coding strand, the complement: LZTFL1 is on the minus strand). VCF-style: chr3-45826328-C-G. GRCh37 (hg19) VCF-style: chr3-45867820-C-G.
Other names: c.835G>C, p.Glu279Gln (NM_001276378.2, NM_001386451.1, NM_001405922.1 and 1 more transcripts); c.770G>C, p.Ter257Ser (NM_001276379.2); c.782G>C, p.Ter261Ser (NM_001386452.1); c.910G>C, p.Glu304Gln (NM_001405920.1); c.874G>C, p.Glu292Gln (NM_001405921.1); c.820G>C, p.Glu274Gln (NM_001405924.1); c.806G>C, p.Ter269Ser (NM_001405925.1); c.731G>C, p.Ter244Ser (NM_001405926.1, NM_001405927.1, NM_001405928.1); and 2 more; short protein forms E274Q, E304Q, E296Q, E279Q, E292Q.
Identifiers: ClinVar variation 1910181 (VCV001910181.5), dbSNP rs1035305014, ClinGen allele CA73634234.

ClinVar aggregate classification (germline): Uncertain significance. Review status: criteria provided, multiple submitters, no conflicts (2 of 4 stars). 3 submissions from 3 submitters: Uncertain significance (2). 1 of the submissions does not count toward it. Last evaluated 2023-11-13.

Conditions:
Inborn genetic diseases. Identifiers: MedGen C0950123, MeSH D030342.
LZTFL1-related disorder. Also called: LZTFL1-related condition.

Allele frequency attached by ClinVar (database versions not stated): gnomAD exomes below 0.00001; gnomAD 0.00001; TOPMed 0.00005.
gnomAD v4.1: 5 of 1,611,428 alleles (0.00031%); highest among the groups gnomAD compares: Admixed American, 0.0067%; no homozygotes.

Submissions (3):

Ambry Genetics
Classification: Uncertain significance for Inborn genetic diseases. Last evaluated: 2023-11-13. Review status: criteria provided, single submitter. Criteria: Ambry Variant Classification Scheme 2023. Collection method: clinical testing. Allele origin: germline.

Labcorp Genetics (formerly Invitae), Labcorp
Classification: Uncertain significance. Last evaluated: 2022-10-13. Review status: criteria provided, single submitter. Criteria: Invitae Variant Classification Sherloc (09022015). Collection method: clinical testing. Allele origin: germline.
Comment: In summary, the available evidence is currently insufficient to determine the role of this variant in disease. Therefore, it has been classified as a Variant of Uncertain Significance. Advanced modeling of protein sequence and biophysical properties (such as structural, functional, and spatial information, amino acid conservation, physicochemical variation, residue mobility, and thermodynamic stability) performed at Invitae indicates that this missense variant is not expected to disrupt LZTFL1 protein function. This variant has not been reported in the literature in individuals affected with LZTFL1-related conditions. This variant is not present in population databases (gnomAD no frequency). This sequence change replaces glutamic acid, which is acidic and polar, with glutamine, which is neutral and polar, at codon 296 of the LZTFL1 protein (p.Glu296Gln).

PreventionGenetics, part of Exact Sciences
Classification: Uncertain significance for LZTFL1-related condition. Last evaluated: 2024-03-15. Review status: no assertion criteria provided. Collection method: clinical testing. Allele origin: germline. Not counted in ClinVar's aggregate classification.
Comment: The LZTFL1 c.770G>C variant is predicted to result in extension of the open reading frame (p.*257Serext*2). In an alternate transcript (NM_020347.3), this variant is known as c.886G>C (p.Glu296Gln). To our knowledge, this variant has not been reported in the literature or in a large population database, indicating this variant is rare. At this time, the clinical significance of this variant is uncertain due to the absence of conclusive functional and genetic evidence.